The following is an entry in ClinVar:

ClinVar aggregate classification (germline): Uncertain significance (1 of 4 stars; one submission).

Conditions:
Hereditary cancer-predisposing syndrome. Also called: Neoplastic Syndromes, Hereditary; Tumor predisposition; Hereditary Cancer Syndrome; Hereditary neoplastic syndrome. Identifiers: Orphanet 140162, MedGen C0027672, MeSH D009386, MONDO:0015356.

Submission:

Ambry Genetics
Classification: Uncertain significance for Hereditary cancer-predisposing syndrome. Last evaluated: 2020-12-31. Review status: criteria provided, single submitter. Criteria: Ambry Variant Classification Scheme 2023. Collection method: clinical testing. Allele origin: germline.
Comment: The p.N322S variant (also known as c.965A>G), located in coding exon 8 of the MRE11A gene, results from an A to G substitution at nucleotide position 965. The asparagine at codon 322 is replaced by serine, an amino acid with highly similar properties. This amino acid position is not well conserved in available vertebrate species. In addition, this alteration is predicted to be tolerated by in silico analysis. Since supporting evidence is limited at this time, the clinical significance of this alteration remains unclear.

NM_005591.4(MRE11):c.965A>G (p.Asn322Ser)

Gene: MRE11 (MRE11 double strand break repair nuclease; minus strand). Cytogenetic location: 11q21.
Variant type: single nucleotide variant.
Coding change: c.965A>G on transcript NM_005591.4 (MANE Select); coding-DNA position 965, A replaced by G.
Protein change: p.Asn322Ser; replaces asparagine 322 with serine.
Molecular consequence: missense variant.
Genome position (GRCh38, 1-based): chr11:94,470,523, T>C on the plus strand (A>G on the coding strand, the complement: MRE11 is on the minus strand). VCF-style: chr11-94470523-T-C. GRCh37 (hg19) VCF-style: chr11-94203689-T-C.
Other names: c.965A>G, p.Asn322Ser (NM_001330347.2, NM_005590.4); short protein forms N322S.
Identifiers: ClinVar variation 1800196 (VCV001800196.2), dbSNP rs2496482964, ClinGen allele CA382374298.